The following is an entry in ClinVar:

NM_001040108.2(MLH3):c.410T>G (p.Val137Gly)

Gene: MLH3 (mutL homolog 3; minus strand). Cytogenetic location: 14q24.3.
Variant type: single nucleotide variant.
Coding change: c.410T>G on transcript NM_001040108.2 (MANE Select); coding-DNA position 410, T replaced by G.
Protein change: p.Val137Gly; replaces valine 137 with glycine.
Molecular consequence: missense variant.
Genome position (GRCh38, 1-based): chr14:75,049,246, A>C on the plus strand (T>G on the coding strand, the complement: MLH3 is on the minus strand). VCF-style: chr14-75049246-A-C. GRCh37 (hg19) VCF-style: chr14-75515949-A-C.
Other names: c.410T>G, p.Val137Gly (NM_014381.3); short protein forms V137G.
Identifiers: ClinVar variation 1737917 (VCV001737917.3), dbSNP rs774230303, ClinGen allele CA7276038.
Genomic context (GRCh38, chr14:75,049,246, plus strand): 5'-ACAGGAAGCTGGTAAAATAGGTTATACACTGTTACAGTAGTCCCAGCGCTTGCTCTAGTC[A>C]CATCAGCTTCACAAGCTTTCAGGGCTTTTCCACTCTGAAACAGTTTCACAAAAGTTTTCA-3'
Protein context (NP_001035197.1, residues 127-147): GKALKACEAD[Val137Gly]TRASAGTTVT

ClinVar aggregate classification (germline): Uncertain significance (1 of 4 stars; one submission).

Allele frequency attached by ClinVar (database versions not stated): gnomAD 0.00001; gnomAD exomes below 0.00001; ExAC 0.00001.
gnomAD v4.1: 9 of 1,614,092 alleles (0.00056%); highest among the groups gnomAD compares: South Asian, 0.0088%; no homozygotes.

Submission:

Ambry Genetics
Classification: Uncertain significance. Last evaluated: 2025-09-28. Review status: criteria provided, single submitter. Criteria: Ambry Variant Classification Scheme 2023. Collection method: clinical testing. Allele origin: germline.
Comment: The p.V137G variant (also known as c.410T>G), located in coding exon 1 of the MLH3 gene, results from a T to G substitution at nucleotide position 410. The valine at codon 137 is replaced by glycine, an amino acid with dissimilar properties. This amino acid position is conserved. In addition, the in silico prediction for this alteration is inconclusive. Since supporting evidence is limited at this time, the clinical significance of this alteration remains unclear.